The following is an entry in ClinVar:

NM_001357.5(DHX9):c.1876C>T (p.Gln626Ter)

Gene: DHX9 (DExH-box helicase 9; plus strand). Cytogenetic location: 1q25.3.
Variant type: single nucleotide variant.
Coding change: c.1876C>T on transcript NM_001357.5 (MANE Select); coding-DNA position 1876, C replaced by T.
Protein change: p.Gln626Ter; replaces glutamine 626 with a stop codon.
Molecular consequence: nonsense. On other transcripts: non-coding transcript variant (1).
Genome position (GRCh38, 1-based): chr1:182,876,110, C>T. VCF-style: chr1-182876110-C-T. GRCh37 (hg19) VCF-style: chr1-182845245-C-T.
Other names: short protein forms Q626*.
Identifiers: ClinVar variation 3359027 (VCV003359027.2).

ClinVar aggregate classification (germline): Pathogenic (1 of 4 stars; one submission).

Conditions:
DHX9-associated neurodevelopmental disorder.

Submission:

Institute of Human Genetics, University of Leipzig Medical Center
Classification: Pathogenic for DHX9-associated neurodevelopmental disorder. Last evaluated: 2024-08-12. Review status: criteria provided, single submitter. Criteria: ACMG Guidelines, 2015. Collection method: clinical testing. Allele origin: paternal. Inheritance: Autosomal dominant inheritance. Affected: yes.
Comment: Criteria applied: PVS1,PM2